The following is an entry in ClinVar:

NM_017617.5(NOTCH1):c.3040A>T (p.Thr1014Ser)

Gene: NOTCH1 (notch receptor 1; minus strand). Cytogenetic location: 9q34.3.
Variant type: single nucleotide variant.
Coding change: c.3040A>T on transcript NM_017617.5 (MANE Select); coding-DNA position 3040, A replaced by T.
Protein change: p.Thr1014Ser; replaces threonine 1014 with serine.
Molecular consequence: missense variant.
Genome position (GRCh38, 1-based): chr9:136,509,001, T>A on the plus strand (A>T on the coding strand, the complement: NOTCH1 is on the minus strand). VCF-style: chr9-136509001-T-A. GRCh37 (hg19) VCF-style: chr9-139403453-T-A.
Other names: short protein forms T1014S.
Identifiers: ClinVar variation 858221 (VCV000858221.10), dbSNP rs1181594680, ClinGen allele CA375552940.

ClinVar aggregate classification (germline): Uncertain significance (1 of 4 stars; one submission).

Conditions:
Adams-Oliver syndrome 5 (AOS5). Identifiers: Orphanet 974, MedGen C4014970, MONDO:0014459, OMIM 616028.

Allele frequency attached by ClinVar (database versions not stated): gnomAD exomes below 0.00001; TOPMed below 0.00001; gnomAD 0.00001.
gnomAD v4.1: 2 of 1,561,006 alleles (0.00013%); highest among the groups gnomAD compares: Non-Finnish European, 0.00017%; no homozygotes.

Submission:

Labcorp Genetics (formerly Invitae), Labcorp
Classification: Uncertain significance for Adams-Oliver syndrome 5. Last evaluated: 2024-07-25. Review status: criteria provided, single submitter. Criteria: Invitae Variant Classification Sherloc (09022015). Collection method: clinical testing. Allele origin: germline.
Comment: This sequence change replaces threonine, which is neutral and polar, with serine, which is neutral and polar, at codon 1014 of the NOTCH1 protein (p.Thr1014Ser). This variant is not present in population databases (gnomAD no frequency). This variant has not been reported in the literature in individuals affected with NOTCH1-related conditions. ClinVar contains an entry for this variant (Variation ID: 858221). Advanced modeling of protein sequence and biophysical properties (such as structural, functional, and spatial information, amino acid conservation, physicochemical variation, residue mobility, and thermodynamic stability) performed at Invitae indicates that this missense variant is not expected to disrupt NOTCH1 protein function with a negative predictive value of 80%. In summary, the available evidence is currently insufficient to determine the role of this variant in disease. Therefore, it has been classified as a Variant of Uncertain Significance.